The following is an entry in ClinVar:

ClinVar aggregate classification (germline): Likely pathogenic (1 of 4 stars; one submission).

Submission:

Labcorp Genetics (formerly Invitae), Labcorp
Classification: Likely pathogenic. Last evaluated: 2023-01-13. Review status: criteria provided, single submitter. Criteria: Invitae Variant Classification Sherloc (09022015). Collection method: clinical testing. Allele origin: germline.
Comment: Algorithms developed to predict the effect of sequence changes on RNA splicing suggest that this variant may disrupt the consensus splice site. This variant has not been reported in the literature in individuals affected with AAAS-related conditions. This variant is not present in population databases (gnomAD no frequency). This sequence change affects a donor splice site in intron 12 of the AAAS gene. It is expected to disrupt RNA splicing. Variants that disrupt the donor or acceptor splice site typically lead to a loss of protein function (PMID: 16199547), and loss-of-function variants in AAAS are known to be pathogenic (PMID: 11159947). In summary, the currently available evidence indicates that the variant is pathogenic, but additional data are needed to prove that conclusively. Therefore, this variant has been classified as Likely Pathogenic.

Literature cited by the submitters: PubMed 16199547; PubMed 11159947.

NM_015665.6(AAAS):c.1181+2T>G

Gene: AAAS (aladin WD repeat nucleoporin; minus strand). Cytogenetic location: 12q13.13.
Variant type: single nucleotide variant.
Coding change: c.1181+2T>G on transcript NM_015665.6 (MANE Select); the canonical splice donor site of the intron after coding-DNA position 1181, T replaced by G.
Molecular consequence: splice donor variant.
Genome position (GRCh38, 1-based): chr12:53,308,433, A>C on the plus strand (T>G on the coding strand, the complement: AAAS is on the minus strand). VCF-style: chr12-53308433-A-C. GRCh37 (hg19) VCF-style: chr12-53702217-A-C.
Other names: c.1082+2T>G (NM_001173466.2).
Identifiers: ClinVar variation 2828142 (VCV002828142.3), dbSNP rs2498605895, ClinGen allele CA385039465.